The following is an entry in ClinVar:

ClinVar aggregate classification (germline): Uncertain significance. Review status: criteria provided, multiple submitters, no conflicts (2 of 4 stars). 2 submissions from 2 submitters: Uncertain significance (2). Last evaluated 2026-04-27.

Conditions:
Inborn genetic diseases. Identifiers: MedGen C0950123, MeSH D030342.

Allele frequency attached by ClinVar (database versions not stated): gnomAD exomes below 0.00001 and 0.00001; ExAC 0.00001.

Submissions (2):

Ambry Genetics
Classification: Uncertain significance for Inborn genetic diseases. Last evaluated: 2026-04-27. Review status: criteria provided, single submitter. Criteria: Ambry Variant Classification Scheme 2023. Collection method: clinical testing. Allele origin: germline.
Comment: The c.4462T>C (p.C1488R) alteration is located in exon 31 (coding exon 31) of the RYR1 gene. This alteration results from a T to C substitution at nucleotide position 4462, causing the cysteine (C) at amino acid position 1488 to be replaced by an arginine (R). Based on data from gnomAD, the C allele has an overall frequency of <0.001% (1/251042) total alleles studied. The highest observed frequency was 0.001% (1/113576) of European (non-Finnish) alleles. Based on insufficient or conflicting evidence, the clinical significance of this alteration remains unclear.

GeneDx
Classification: Uncertain significance. Last evaluated: 2022-02-20. Review status: criteria provided, single submitter. Criteria: GeneDx Variant Classification Process June 2021. Collection method: clinical testing. Allele origin: germline. Affected: yes.
Comment: Not observed at significant frequency in large population cohorts (gnomAD); In silico analysis supports that this missense variant does not alter protein structure/function; Has not been previously published as pathogenic or benign to our knowledge

NM_000540.3(RYR1):c.4462T>C (p.Cys1488Arg)

Gene: RYR1 (ryanodine receptor 1; plus strand). Cytogenetic location: 19q13.2.
Variant type: single nucleotide variant.
Coding change: c.4462T>C on transcript NM_000540.3 (MANE Select); coding-DNA position 4462, T replaced by C.
Protein change: p.Cys1488Arg; replaces cysteine 1488 with arginine.
Molecular consequence: missense variant.
Genome position (GRCh38, 1-based): chr19:38,478,442, T>C. VCF-style: chr19-38478442-T-C. GRCh37 (hg19) VCF-style: chr19-38969082-T-C.
Other names: c.4462T>C, p.Cys1488Arg (NM_001042723.2); short protein forms C1488R.
Identifiers: ClinVar variation 1702763 (VCV001702763.3), dbSNP rs763317222, ClinGen allele CA066125.